The following is an entry in ClinVar:

ClinVar aggregate classification (germline): Conflicting classifications of pathogenicity. Review status: criteria provided, conflicting classifications (1 of 4 stars). 7 submissions from 7 submitters: Likely pathogenic (4); Uncertain significance (2). 1 of the submissions does not count toward it. Last evaluated 2026-06-09.

Conditions:
TREX1-related disorder. Also called: TREX1-related condition; TREX1-related disorders. Identifiers: MedGen CN239414.
Aicardi-Goutieres syndrome 1. Also called: CREE ENCEPHALITIS; ENCEPHALOPATHY, FAMILIAL INFANTILE, WITH INTRACRANIAL CALCIFICATION AND CHRONIC CEREBROSPINAL FLUID LYMPHOCYTOSIS; PSEUDOTOXOPLASMOSIS SYNDROME. Identifiers: Orphanet 51, MedGen C0796126, MONDO:0009165, OMIM 225750.

Allele frequency attached by ClinVar (database versions not stated): gnomAD 0.00002 and 0.00003; TOPMed 0.00003; gnomAD exomes 0.00004 and 0.00008; ExAC 0.00009.
gnomAD v4.1: 59 of 1,613,782 alleles (0.0037%); highest among the groups gnomAD compares: East Asian, 0.036%; no homozygotes.

Submissions (7):

Women's Health and Genetics/Laboratory Corporation of America, LabCorp
Classification: Likely pathogenic for Aicardi-Goutieres syndrome 1. Last evaluated: 2026-06-09. Review status: criteria provided, single submitter. Criteria: LabCorp Variant Classification Summary - May 2015. Collection method: clinical testing. Allele origin: germline.
Comment: Variant summary: TREX1 c.-26-1G>A is located in a canonical splice-site and is predicted to affect mRNA splicing resulting in a significantly altered protein due to either exon skipping, shortening, or inclusion of intronic material. Variants that disrupt the consensus splice site are a relatively common cause of aberrant splicing and loss of TREX1 function. Several computational tools predict a significant impact on normal splicing: Three predict the variant weakens the canonical 3' acceptor site. Two predict the variant abolishes the canonica 3' acceptor site. However, these predictions have yet to be confirmed by functional studies. The variant allele was found at a frequency of 7.6e-05 in 249970 control chromosomes. This frequency is not significantly higher than estimated for disease-causing variants in TREX1, allowing no conclusion about variant significance. c.-26-1G>A has been observed in a compound heterozygous state in at-least three individuals affected with features of autosomal recessive Aicardi Goutires syndrome (Xiao_2018, Zhang_2024). This variant was also reported in a heterozygous state in two individuals with features of autosomal dominant Chilblain lupus (Charras_2023), and Vasculopathy, retinal, with cerebral leukoencephalopathy and systemic manifestations (Song_2025). To our knowledge, no experimental evidence demonstrating an impact on protein function has been reported. The following publications have been ascertained in the context of this evaluation (PMID: 35532072, 40383229, 29159939, 39347527). ClinVar contains an entry for this variant (Variation ID: 632417). While this variant has been reported in the literature, the clinical significance of the variant for AD TREX1-related diseases could not be established. Based on the evidence outlined above, the variant was classified as likely pathogenic for AR Aicardi-Goutieres Syndrome 1.

Blueprint Genetics
Classification: Uncertain significance. Last evaluated: 2024-04-02. Review status: criteria provided, single submitter. Criteria: ACMG Guidelines, 2015. Collection method: clinical testing. Allele origin: germline.

GeneDx
Classification: Likely pathogenic. Last evaluated: 2024-03-19. Review status: criteria provided, single submitter. Criteria: GeneDx Variant Classification Process June 2021. Collection method: clinical testing. Allele origin: germline. Affected: yes.
Comment: Observed with additional TREX1 variant(s) in patients with AicardiGoutieres syndrome, but it is not known whether the variants occurred on the same (in cis) or on different (in trans) chromosomes (PMID: 35551623); Canonical splice site variant expected to result in aberrant splicing, although in the absence of functional evidence the actual effect of this sequence change is unknown.; This variant is associated with the following publications: (PMID: Oh2022[CaseReport], 37556020, 29159939, 35551623, 35532072)

Genomic Research Center, Shahid Beheshti University of Medical Sciences
Classification: Uncertain significance for TREX1-related disorder. Last evaluated: 2023-10-09. Review status: criteria provided, single submitter. Criteria: ACMG Guidelines, 2015. Collection method: clinical testing. Allele origin: inherited. Affected: yes. Observed: 1 variant allele.

Juno Genomics, Hangzhou Juno Genomics, Inc
Classification: Likely pathogenic for Aicardi-Goutieres syndrome 1. Review status: criteria provided, single submitter. Criteria: ACMG Guidelines, 2015. Collection method: clinical testing. Allele origin: germline. Affected: yes.
Comment: Absent from controls (or at extremely low frequency if recessive) in Genome Aggregation Database, Exome Sequencing Project, 1000 Genomes Project, or Exome Aggregation Consortium.;Multiple lines of computational evidence support a deleterious effect on the gene or gene product (conservation, evolutionary, splicing impact, etc).;For recessive disorders, detected in trans with a pathogenic variant.;Patient's phenotype or family history is highly specific for a disease with a single genetic etiology.

Kariminejad - Najmabadi Pathology & Genetics Center
Classification: Likely pathogenic for Aicardi-Goutieres syndrome 1. Review status: criteria provided, single submitter. Criteria: ACMG Guidelines, 2015. Collection method: clinical testing. Allele origin: germline. Affected: no.

PreventionGenetics, part of Exact Sciences
Classification: Uncertain significance for TREX1-related condition. Last evaluated: 2024-08-28. Review status: no assertion criteria provided. Collection method: clinical testing. Allele origin: germline. Not counted in ClinVar's aggregate classification.
Comment: The TREX1 c.-26-1G>A variant is located in the 5' untranslated region. Using the canonical transcript (NM_033629) this variant is located upstream of the start codon (c.-26-1G>A) and is predicted to weaken a cryptic splice site based on available splicing prediction programs (Alamut Visual v1.6.1). However, the use of computer prediction programs is not equivalent to functional evidence. This variant has been reported in an individual undergoing sequencing for juvenile-onset systemic lupus erythematosus (described as "rs749323787", Charras et al. 2023. PubMed ID: 35532072). This variant is reported in 0.036% of alleles in individuals of South Asian descent in gnomAD. At this time, the clinical significance of this variant is uncertain due to the absence of conclusive functional and genetic evidence.

Literature cited by the submitters: PubMed 35532072 (cited by Women's Health and Genetics/Laboratory Corporation of America, LabCorp); PubMed 29159939 (cited by Women's Health and Genetics/Laboratory Corporation of America, LabCorp); PubMed 39347527 (cited by Women's Health and Genetics/Laboratory Corporation of America, LabCorp); PubMed 40383229 (cited by Women's Health and Genetics/Laboratory Corporation of America, LabCorp).

NM_033629.6(TREX1):c.-26-1G>A

Genes: ATRIP (ATR interacting protein; plus strand), ATRIP-TREX1 (ATRIP-TREX1 readthrough; plus strand), TREX1 (three prime repair exonuclease 1; plus strand). Cytogenetic location: 3p21.31.
Variant type: single nucleotide variant.
Coding change: c.-26-1G>A on transcript NM_033629.6 (MANE Select); the canonical splice acceptor site of the intron before 26 bases upstream of the start codon, G replaced by A.
Molecular consequence: splice acceptor variant. On other transcripts: 3 prime UTR variant (4), intron variant (1).
Genome position (GRCh38, 1-based): chr3:48,466,629, G>A. VCF-style: chr3-48466629-G-A. GRCh37 (hg19) VCF-style: chr3-48508028-G-A.
Other names: c.*1075G>A (NM_001271022.2, NM_001271023.2, NM_032166.4 and 1 more transcripts); c.-18-39G>A (NM_007248.5).
Identifiers: ClinVar variation 632417 (VCV000632417.18), dbSNP rs749323787, ClinGen allele CA2376532.